The following is an entry in ClinVar:

NM_007348.4(ATF6):c.760C>T (p.Pro254Ser)

Gene: ATF6 (activating transcription factor 6; plus strand). Cytogenetic location: 1q23.3.
Variant type: single nucleotide variant.
Coding change: c.760C>T on transcript NM_007348.4 (MANE Select); coding-DNA position 760, C replaced by T.
Protein change: p.Pro254Ser; replaces proline 254 with serine.
Molecular consequence: missense variant.
Genome position (GRCh38, 1-based): chr1:161,802,123, C>T. VCF-style: chr1-161802123-C-T. GRCh37 (hg19) VCF-style: chr1-161771913-C-T.
Other names: short protein forms P254S.
Identifiers: ClinVar variation 1394859 (VCV001394859.6), dbSNP rs1489902575, ClinGen allele CA343388651.

ClinVar aggregate classification (germline): Uncertain significance. Review status: criteria provided, multiple submitters, no conflicts (2 of 4 stars). 2 submissions from 2 submitters: Uncertain significance (2). Last evaluated 2023-10-14.

Allele frequency attached by ClinVar (database versions not stated): gnomAD 0.00001; TOPMed 0.00001; gnomAD exomes 0.00003.
gnomAD v4.1: 43 of 1,613,988 alleles (0.0027%); highest among the groups gnomAD compares: Non-Finnish European, 0.0036%; no homozygotes.

Submissions (2):

Blueprint Genetics
Classification: Uncertain significance. Last evaluated: 2023-10-14. Review status: criteria provided, single submitter. Criteria: ACMG Guidelines, 2015. Collection method: clinical testing. Allele origin: germline.

Labcorp Genetics (formerly Invitae), Labcorp
Classification: Uncertain significance. Last evaluated: 2021-08-28. Review status: criteria provided, single submitter. Criteria: Invitae Variant Classification Sherloc (09022015). Collection method: clinical testing. Allele origin: germline.
Comment: This sequence change replaces proline with serine at codon 254 of the ATF6 protein (p.Pro254Ser). The proline residue is moderately conserved and there is a moderate physicochemical difference between proline and serine. This variant is not present in population databases (ExAC no frequency). This variant has not been reported in the literature in individuals affected with ATF6-related conditions. Algorithms developed to predict the effect of missense changes on protein structure and function are either unavailable or do not agree on the potential impact of this missense change (SIFT: "Deleterious"; PolyPhen-2: "Benign"; Align-GVGD: "Class C0"). In summary, the available evidence is currently insufficient to determine the role of this variant in disease. Therefore, it has been classified as a Variant of Uncertain Significance.